The following is an entry in ClinVar:

ClinVar aggregate classification (germline): Benign (1 of 4 stars; one submission).

Conditions:
BAP1-related tumor predisposition syndrome (TPDS1). Also called: BAP1 tumor predisposition syndrome; Tumor susceptibility linked to germline BAP1 mutations; COMMON Syndrome; TUMOR PREDISPOSITION SYNDROME 1. Identifiers: Orphanet 289539, MedGen C3280492, MONDO:0013692, OMIM 614327.

Submission:

Myriad Genetics, Inc.
Classification: Benign for BAP1-related tumor predisposition syndrome. Last evaluated: 2024-07-11. Review status: criteria provided, single submitter. Criteria: Myriad Autosomal Dominant, Autosomal Recessive and X-Linked Classification Criteria (2023). Collection method: clinical testing. Allele origin: unknown.
Comment: This variant is considered benign. This variant is a silent/synonymous amino acid change and it is not expected to impact splicing.

NM_004656.4(BAP1):c.93G>A (p.Glu31=)

Gene: BAP1 (BRCA1 associated deubiquitinase 1; minus strand). Cytogenetic location: 3p21.1.
Variant type: single nucleotide variant.
Coding change: c.93G>A on transcript NM_004656.4 (MANE Select); coding-DNA position 93, G replaced by A.
Protein change: p.Glu31=; no amino-acid change (glutamic acid 31 retained).
Molecular consequence: synonymous variant.
Genome position (GRCh38, 1-based): chr3:52,409,583, C>T on the plus strand (G>A on the coding strand, the complement: BAP1 is on the minus strand). VCF-style: chr3-52409583-C-T. GRCh37 (hg19) VCF-style: chr3-52443599-C-T.
Other names: c.93G>A, p.Glu31= (NM_001410772.1).
Identifiers: ClinVar variation 3379070 (VCV003379070.1).
Genomic context (GRCh38, chr3:52,409,583, plus strand): 5'-TAAGGGGCAGCCCTGGTGTACAGCCACTCACCCCTGACATTTGCTCTGAAGGTCGTAGAT[C>T]TCCTCCACTTGCACCCCCTTGACACCTGCGATGAGGAAAGGAAAGCAGTAGGGAAGGACA-3'
Protein context (NP_004647.1, residues 21-41): DFGVKGVQVE[Glu31=]IYDLQSKCQG